The following is an entry in ClinVar:

NM_206933.4(USH2A):c.2297G>A (p.Cys766Tyr)

Gene: USH2A (usherin; minus strand). Cytogenetic location: 1q41.
Variant type: single nucleotide variant.
Coding change: c.2297G>A on transcript NM_206933.4 (MANE Select); coding-DNA position 2297, G replaced by A.
Protein change: p.Cys766Tyr; replaces cysteine 766 with tyrosine.
Molecular consequence: missense variant.
Genome position (GRCh38, 1-based): chr1:216,247,097, C>T on the plus strand (G>A on the coding strand, the complement: USH2A is on the minus strand). VCF-style: chr1-216247097-C-T. GRCh37 (hg19) VCF-style: chr1-216420439-C-T.
Other names: c.2297G>A (NM_206933.2); c.2297G>A, p.Cys766Tyr (NM_007123.6); short protein forms C766Y.
Identifiers: ClinVar variation 1443718 (VCV001443718.11), dbSNP rs2036066367, ClinGen allele CA344865203.

ClinVar aggregate classification (germline): Pathogenic/Likely pathogenic. Review status: criteria provided, multiple submitters, no conflicts (2 of 4 stars). 3 submissions from 3 submitters: Pathogenic (1); Likely pathogenic (2). Last evaluated 2025-09-02.

Conditions:
USH2A-related disorder. Also called: USH2A-related disorders; USH2A-related condition. Identifiers: MedGen CN239332.
Usher syndrome type 2A. Also called: RETINAL DISEASE IN USHER SYNDROME TYPE IIA, MODIFIER OF; USHER SYNDROME, TYPE IIA. Identifiers: Orphanet 231178, Orphanet 886, MedGen C1848634, MONDO:0010169, OMIM 276901.

Allele frequency attached by ClinVar (database versions not stated): gnomAD exomes below 0.00001.
gnomAD v4.1: 2 of 1,614,072 alleles (0.00012%); highest among the groups gnomAD compares: Non-Finnish European, 0.00017%; no homozygotes.

Submissions (3):

Labcorp Genetics (formerly Invitae), Labcorp
Classification: Pathogenic. Last evaluated: 2025-09-02. Review status: criteria provided, single submitter. Criteria: Invitae Variant Classification Sherloc (09022015). Collection method: clinical testing. Allele origin: germline.
Comment: This sequence change replaces cysteine, which is neutral and slightly polar, with tyrosine, which is neutral and polar, at codon 766 of the USH2A protein (p.Cys766Tyr). This variant is not present in population databases (gnomAD no frequency). This missense change has been observed in individuals with clinical features of retinitis pigmentosa and/or clinical features of USH2A-related conditions (internal data). ClinVar contains an entry for this variant (Variation ID: 1443718). Invitae Evidence Modeling of protein sequence and biophysical properties (such as structural, functional, and spatial information, amino acid conservation, physicochemical variation, residue mobility, and thermodynamic stability) indicates that this missense variant is expected to disrupt USH2A protein function with a positive predictive value of 95%. This variant disrupts the p.Cys766 amino acid residue in USH2A. Other variant(s) that disrupt this residue have been determined to be pathogenic (PMID: 23591405, 25404053, 26927203, 30924848). This suggests that this residue is clinically significant, and that variants that disrupt this residue are likely to be disease-causing. For these reasons, this variant has been classified as Pathogenic.

Natera, Inc.
Classification: Likely pathogenic for Usher syndrome type 2A. Last evaluated: 2024-10-31. Review status: criteria provided, single submitter. Criteria: Natera Variant Classification Schema (03/2026). Collection method: clinical testing. Allele origin: germline.
Comment: The c.2297G>A variant in USH2A is a missense variant predicted to cause substitution of cysteine to tyrosine at amino acid 766. This variant is rare in the general population with a frequency below the threshold expected for the associated phenotype(s). This variant has been observed in one or more individuals affected with the associated recessive disease, as either homozygous or compound heterozygous with a second variant (PMID: 37466950). A different variant at the same position has been determined to be Pathogenic or Likely Pathogenic. Computational prediction algorithms indicate this variant is likely to affect gene or protein function. Given the available evidence, this variant is classified as Likely Pathogenic.

Blueprint Genetics
Classification: Likely pathogenic for USH2A-related disorders. Last evaluated: 2019-05-07. Review status: criteria provided, single submitter. Criteria: ACMG Guidelines, 2015. Collection method: clinical testing. Allele origin: germline. Affected: yes. Observed: 1 variant allele.

Literature cited by the submitters: PubMed 23591405 (cited by Labcorp Genetics (formerly Invitae), Labcorp); PubMed 25404053 (cited by Labcorp Genetics (formerly Invitae), Labcorp); PubMed 26927203 (cited by Labcorp Genetics (formerly Invitae), Labcorp); PubMed 30924848 (cited by Labcorp Genetics (formerly Invitae), Labcorp); PubMed 37466950 (cited by Natera, Inc.).